The following is an entry in ClinVar:

NM_015426.5(POC1A):c.235G>A (p.Gly79Ser)

Gene: POC1A (POC1 centriolar protein A; minus strand). Cytogenetic location: 3p21.2.
Variant type: single nucleotide variant.
Coding change: c.235G>A on transcript NM_015426.5 (MANE Select); coding-DNA position 235, G replaced by A.
Protein change: p.Gly79Ser; replaces glycine 79 with serine.
Molecular consequence: missense variant.
Genome position (GRCh38, 1-based): chr3:52,149,856, C>T on the plus strand (G>A on the coding strand, the complement: POC1A is on the minus strand). VCF-style: chr3-52149856-C-T. GRCh37 (hg19) VCF-style: chr3-52183872-C-T.
Other names: c.235G>A (NM_015426.4); c.235G>A, p.Gly79Ser (NM_001161580.2); c.121G>A, p.Gly41Ser (NM_001161581.2); short protein forms G41S, G79S.
Identifiers: ClinVar variation 287197 (VCV000287197.13), dbSNP rs35249554, ClinGen allele CA2429702.

ClinVar aggregate classification (germline): Conflicting classifications of pathogenicity. Review status: criteria provided, conflicting classifications (1 of 4 stars). 3 submissions from 3 submitters: Uncertain significance (1); Likely benign (2). Last evaluated 2026-02-06.

Conditions:
POC1A-related disorder. Also called: POC1A-related condition.

Allele frequency attached by ClinVar (database versions not stated): gnomAD 0.00108 and 0.00105; ESP Exome Variant Server 0.00123; TOPMed 0.00125; gnomAD exomes 0.00019 and 0.00042; 1000 Genomes Project 0.00040; 1000 Genomes Project 30x 0.00047; ExAC 0.00053.
gnomAD v4.1: 446 of 1,613,886 alleles (0.028%); highest among the groups gnomAD compares: African/African-American, 0.37%; 2 homozygotes.

Submissions (3):

PreventionGenetics, part of Exact Sciences
Classification: Likely benign for POC1A-related condition. Last evaluated: 2026-02-06. Review status: criteria provided, single submitter. Criteria: ACMG Guidelines, 2015. Collection method: clinical testing. Allele origin: germline.
Comment: This variant is classified as likely benign based on ACMG/AMP sequence variant interpretation guidelines (Richards et al. 2015 PMID: 25741868, with internal and published modifications).

Labcorp Genetics (formerly Invitae), Labcorp
Classification: Likely benign. Last evaluated: 2026-01-24. Review status: criteria provided, single submitter. Criteria: Invitae Variant Classification Sherloc (09022015). Collection method: clinical testing. Allele origin: germline.

Eurofins Ntd Llc (ga)
Classification: Uncertain significance. Last evaluated: 2016-05-23. Review status: criteria provided, single submitter. Criteria: EGL Classification Definitions 2015. Collection method: clinical testing. Allele origin: germline. Observed: 1 variant allele, 1 heterozygote.